The following is an entry in ClinVar:

ClinVar aggregate classification (germline): conflicting data from submitters (0 of 4 stars; one submission).

Submission:

ISCA site 8
Classification: conflicting data from submitters. Last evaluated: 2010-10-20. Review status: no assertion criteria provided. Collection method: clinical testing. Allele origin: paternal, unknown. Affected: yes. Observed: 2 variant alleles.
Comment: Pathogenic(1), Uncertain significance(1)

Copy number variation identified through the course of routine clinical cytogenomic testing in postnatal populations, with clinical assertions as classified by the original submitter.

GRCh38/hg38 15q11.2(chr15:22726969-23066575)x1

Genes: CYFIP1 (cytoplasmic FMR1 interacting protein 1; minus strand), NIPA1 (NIPA magnesium transporter 1; plus strand), NIPA2 (NIPA magnesium transporter 2; plus strand), TUBGCP5 (tubulin gamma complex component 5; minus strand), LOC112272575 (Sharpr-MPRA regulatory region 8478; plus strand) and 14 more. Cytogenetic location: 15q11.2.
Variant type: copy number loss.
Change: copy number 1 (one copy instead of two) of chr15:22,726,969-23,066,575 (339.6 kb, GRCh38 coordinates, 1-based), cytogenetic band 15q11.2.
Identifiers: ClinVar variation 146186 (VCV000146186.3).